The following is an entry in ClinVar:

ClinVar aggregate classification (germline): Likely pathogenic (1 of 4 stars; one submission).

Conditions:
Usher syndrome type 1D (USH1D). Also called: USHER SYNDROME, TYPE ID. Identifiers: Orphanet 231169, Orphanet 886, MedGen C1832845, MONDO:0010984, OMIM 601067.

Submission:

Human Genetics Bochum, Ruhr University Bochum
Classification: Likely pathogenic for Usher syndrome type 1D. Last evaluated: 2025-06-23. Review status: criteria provided, single submitter. Criteria: ACMG Guidelines, 2015. Collection method: clinical testing. Allele origin: germline. Affected: yes.
Comment: in homozygous state; ACMG criteria used to clasify this variant: PM3, PM5, PP3_MOD, PM1_SUP, PM2_SUP

NM_022124.6(CDH23):c.5750A>G (p.Glu1917Gly)

Gene: CDH23 (cadherin related 23; plus strand). Cytogenetic location: 10q22.1.
Variant type: single nucleotide variant.
Coding change: c.5750A>G on transcript NM_022124.6 (MANE Select); coding-DNA position 5750, A replaced by G.
Protein change: p.Glu1917Gly; replaces glutamic acid 1917 with glycine.
Molecular consequence: missense variant.
Genome position (GRCh38, 1-based): chr10:71,785,668, A>G. VCF-style: chr10-71785668-A-G. GRCh37 (hg19) VCF-style: chr10-73545425-A-G.
Other names: short protein forms E1917G.
Identifiers: ClinVar variation 4687931 (VCV004687931.1).